The following is an entry in ClinVar:

NM_000064.4(C3):c.3068T>C (p.Ile1023Thr)

Gene: C3 (complement C3; minus strand). Cytogenetic location: 19p13.3.
Variant type: single nucleotide variant.
Coding change: c.3068T>C on transcript NM_000064.4 (MANE Select); coding-DNA position 3068, T replaced by C.
Protein change: p.Ile1023Thr; replaces isoleucine 1023 with threonine.
Molecular consequence: missense variant.
Genome position (GRCh38, 1-based): chr19:6,694,517, A>G on the plus strand (T>C on the coding strand, the complement: C3 is on the minus strand). VCF-style: chr19-6694517-A-G. GRCh37 (hg19) VCF-style: chr19-6694528-A-G.
Other names: short protein forms I1023T.
Identifiers: ClinVar variation 1406307 (VCV001406307.6), dbSNP rs1217253146, ClinGen allele CA403628831.

ClinVar aggregate classification (germline): Uncertain significance (1 of 4 stars; one submission).

Allele frequency attached by ClinVar (database versions not stated): gnomAD exomes below 0.00001; TOPMed below 0.00001; gnomAD 0.00001.
gnomAD v4.1: 3 of 1,614,014 alleles (0.00019%); highest among the groups gnomAD compares: Non-Finnish European, 0.00017%; no homozygotes.

Submission:

Labcorp Genetics (formerly Invitae), Labcorp
Classification: Uncertain significance. Last evaluated: 2024-10-22. Review status: criteria provided, single submitter. Criteria: Invitae Variant Classification Sherloc (09022015). Collection method: clinical testing. Allele origin: germline.
Comment: This sequence change replaces isoleucine, which is neutral and non-polar, with threonine, which is neutral and polar, at codon 1023 of the C3 protein (p.Ile1023Thr). This variant is present in population databases (no rsID available, gnomAD 0.0009%). This variant has not been reported in the literature in individuals affected with C3-related conditions. ClinVar contains an entry for this variant (Variation ID: 1406307). Invitae Evidence Modeling of protein sequence and biophysical properties (such as structural, functional, and spatial information, amino acid conservation, physicochemical variation, residue mobility, and thermodynamic stability) indicates that this missense variant is expected to disrupt C3 protein function with a positive predictive value of 80%. In summary, the available evidence is currently insufficient to determine the role of this variant in disease. Therefore, it has been classified as a Variant of Uncertain Significance.